The following is an entry in ClinVar:

ClinVar aggregate classification (germline): Uncertain significance (1 of 4 stars; one submission).

Conditions:
Hereditary cancer-predisposing syndrome. Also called: Tumor predisposition; Hereditary neoplastic syndrome; Neoplastic Syndromes, Hereditary; Hereditary Cancer Syndrome. Identifiers: Orphanet 140162, MedGen C0027672, MeSH D009386, MONDO:0015356.

Submission:

Ambry Genetics
Classification: Uncertain significance for Hereditary cancer-predisposing syndrome. Last evaluated: 2019-10-08. Review status: criteria provided, single submitter. Criteria: Ambry Variant Classification Scheme 2023. Collection method: clinical testing. Allele origin: germline.
Comment: The p.D491V variant (also known as c.1472A>T), located in coding exon 12 of the MRE11A gene, results from an A to T substitution at nucleotide position 1472. The aspartic acid at codon 491 is replaced by valine, an amino acid with highly dissimilar properties. This amino acid position is highly conserved in available vertebrate species. In addition, this alteration is predicted to be deleterious by in silico analysis. Since supporting evidence is limited at this time, the clinical significance of this alteration remains unclear.

NM_005591.4(MRE11):c.1472A>T (p.Asp491Val)

Gene: MRE11 (MRE11 double strand break repair nuclease; minus strand). Cytogenetic location: 11q21.
Variant type: single nucleotide variant.
Coding change: c.1472A>T on transcript NM_005591.4 (MANE Select); coding-DNA position 1472, A replaced by T.
Protein change: p.Asp491Val; replaces aspartic acid 491 with valine.
Molecular consequence: missense variant.
Genome position (GRCh38, 1-based): chr11:94,459,436, T>A on the plus strand (A>T on the coding strand, the complement: MRE11 is on the minus strand). VCF-style: chr11-94459436-T-A. GRCh37 (hg19) VCF-style: chr11-94192602-T-A.
Other names: c.1472A>T, p.Asp491Val (NM_001330347.2, NM_005590.4); short protein forms D491V.
Identifiers: ClinVar variation 819314 (VCV000819314.4), dbSNP rs1591672257, ClinGen allele CA382371711.
Genomic context (GRCh38, chr11:94,459,436, plus strand): 5'-AATAGACCTAGACACTCAAATTAGTTACTTACCTCCTCATCGATTTTGTCTTCGAGGGCA[T>A]CAATATGACGTTCTTTAAGAAATCGCTGTGTTTTTTCCAACTGGTATTTCACTAATTCCT-3'
Protein context (NP_005582.1, residues 481-501): TQRFLKERHI[Asp491Val]ALEDKIDEEV